The following is an entry in ClinVar:

ClinVar aggregate classification (germline): Uncertain significance (1 of 4 stars; one submission).

Conditions:
Short-rib thoracic dysplasia 6 with or without polydactyly (SRTD6). Also called: SHORT RIB-POLYDACTYLY SYNDROME, TYPE IIA; SHORT-RIB THORACIC DYSPLASIA 6 WITH POLYDACTYLY; SHORT-RIB THORACIC DYSPLASIA 6 WITHOUT POLYDACTYLY; POLYDACTYLY WITH NEONATAL CHONDRODYSTROPHY, TYPE II; Majewski Syndrome. Identifiers: MedGen C0024507, MONDO:0009894, OMIM 263520.

Submission:

Labcorp Genetics (formerly Invitae), Labcorp
Classification: Uncertain significance for Short-rib thoracic dysplasia 6 with or without polydactyly. Last evaluated: 2025-02-06. Review status: criteria provided, single submitter. Criteria: Invitae Variant Classification Sherloc (09022015). Collection method: clinical testing. Allele origin: germline.
Comment: This sequence change replaces isoleucine, which is neutral and non-polar, with leucine, which is neutral and non-polar, at codon 432 of the NEK1 protein (p.Ile432Leu). This variant is not present in population databases (gnomAD no frequency). This variant has not been reported in the literature in individuals affected with NEK1-related conditions. Invitae Evidence Modeling of protein sequence and biophysical properties (such as structural, functional, and spatial information, amino acid conservation, physicochemical variation, residue mobility, and thermodynamic stability) indicates that this missense variant is not expected to disrupt NEK1 protein function with a negative predictive value of 95%. In summary, the available evidence is currently insufficient to determine the role of this variant in disease. Therefore, it has been classified as a Variant of Uncertain Significance.

NM_001199397.3(NEK1):c.1294A>C (p.Ile432Leu)

Gene: NEK1 (NIMA related kinase 1; minus strand). Cytogenetic location: 4q33.
Variant type: single nucleotide variant.
Coding change: c.1294A>C on transcript NM_001199397.3 (MANE Select); coding-DNA position 1294, A replaced by C.
Protein change: p.Ile432Leu; replaces isoleucine 432 with leucine.
Molecular consequence: missense variant. On other transcripts: non-coding transcript variant (1).
Genome position (GRCh38, 1-based): chr4:169,556,068, T>G on the plus strand (A>C on the coding strand, the complement: NEK1 is on the minus strand). VCF-style: chr4-169556068-T-G. GRCh37 (hg19) VCF-style: chr4-170477219-T-G.
Other names: c.1294A>C, p.Ile432Leu (NM_001199398.3, NM_001199400.3, NM_001374418.1 and 6 more transcripts); c.1219A>C, p.Ile407Leu (NM_001199399.3); c.1243A>C, p.Ile415Leu (NM_001374420.1); c.1168A>C, p.Ile390Leu (NM_001374421.1); c.673A>C, p.Ile225Leu (NM_001440624.1, NM_001440625.1); short protein forms I225L, I390L, I407L, I415L, I432L.
Identifiers: ClinVar variation 4802704 (VCV004802704.1).